The following is an entry in ClinVar:

ClinVar aggregate classification (germline): Uncertain significance (1 of 4 stars; one submission).

Conditions:
Pulmonary hypertension, primary, 4. Identifiers: Orphanet 422, MedGen C3809198, MONDO:0014136, OMIM 615344.

gnomAD v4.1: 9 of 1,507,770 alleles (0.0006%); highest among the groups gnomAD compares: South Asian, 0.0013%; no homozygotes.

Submission:

Labcorp Genetics (formerly Invitae), Labcorp
Classification: Uncertain significance for Pulmonary hypertension, primary, 4. Last evaluated: 2024-02-03. Review status: criteria provided, single submitter. Criteria: Invitae Variant Classification Sherloc (09022015). Collection method: clinical testing. Allele origin: germline.
Comment: This sequence change replaces threonine, which is neutral and polar, with methionine, which is neutral and non-polar, at codon 376 of the KCNK3 protein (p.Thr376Met). The frequency data for this variant in the population databases is considered unreliable, as metrics indicate poor data quality at this position in the gnomAD database. This variant has not been reported in the literature in individuals affected with KCNK3-related conditions. An algorithm developed to predict the effect of missense changes on protein structure and function (PolyPhen-2) suggests that this variant is likely to be disruptive. In summary, the available evidence is currently insufficient to determine the role of this variant in disease. Therefore, it has been classified as a Variant of Uncertain Significance.

NM_002246.3(KCNK3):c.1127C>T (p.Thr376Met)

Gene: KCNK3 (potassium two pore domain channel subfamily K member 3; plus strand). Cytogenetic location: 2p23.3.
Variant type: single nucleotide variant.
Coding change: c.1127C>T on transcript NM_002246.3 (MANE Select); coding-DNA position 1127, C replaced by T.
Protein change: p.Thr376Met; replaces threonine 376 with methionine.
Molecular consequence: missense variant.
Genome position (GRCh38, 1-based): chr2:26,728,510, C>T. VCF-style: chr2-26728510-C-T. GRCh37 (hg19) VCF-style: chr2-26951378-C-T.
Other names: short protein forms T376M.
Identifiers: ClinVar variation 3706262 (VCV003706262.2).